The following is an entry in ClinVar:

ClinVar aggregate classification (germline): Benign/Likely benign. Review status: criteria provided, multiple submitters, no conflicts (2 of 4 stars). 2 submissions from 2 submitters: Benign (1); Likely benign (1). Last evaluated 2024-09-27.

Conditions:
Hereditary cancer-predisposing syndrome. Also called: Tumor predisposition; Hereditary Cancer Syndrome; Neoplastic Syndromes, Hereditary; Hereditary neoplastic syndrome. Identifiers: Orphanet 140162, MedGen C0027672, MeSH D009386, MONDO:0015356.
Melanoma, cutaneous malignant, susceptibility to, 3. Also called: Cutaneous malignant melanoma 3. Identifiers: Orphanet 618, MedGen C1836892, MONDO:0012183, OMIM 609048.

Submissions (2):

Myriad Genetics, Inc.
Classification: Benign for Melanoma, cutaneous malignant, susceptibility to, 3. Last evaluated: 2024-09-27. Review status: criteria provided, single submitter. Criteria: Myriad Autosomal Dominant, Autosomal Recessive and X-Linked Classification Criteria (2023). Collection method: clinical testing. Allele origin: unknown.
Comment: This variant is considered benign. This variant is a silent/synonymous amino acid change and it is not expected to impact splicing.

Ambry Genetics
Classification: Likely benign for Hereditary cancer-predisposing syndrome. Last evaluated: 2018-02-23. Review status: criteria provided, single submitter. Criteria: Ambry Variant Classification Scheme 2023. Collection method: clinical testing. Allele origin: germline.

NM_000075.4(CDK4):c.876C>T (p.His292=)

Genes: TSPAN31 (tetraspanin 31; plus strand), CDK4 (cyclin dependent kinase 4; minus strand). Cytogenetic location: 12q14.1.
Variant type: single nucleotide variant.
Coding change: c.876C>T on transcript NM_000075.4 (MANE Select); coding-DNA position 876, C replaced by T.
Protein change: p.His292=; no amino-acid change (histidine 292 retained).
Molecular consequence: synonymous variant. On other transcripts: 3 prime UTR variant (3).
Genome position (GRCh38, 1-based): chr12:57,748,561, G>A on the plus strand (C>T on the coding strand, the complement: CDK4 is on the minus strand). VCF-style: chr12-57748561-G-A. GRCh37 (hg19) VCF-style: chr12-58142344-G-A.
Other names: c.*1271G>A (NM_001330168.2, NM_001330169.2, NM_005981.5).
Identifiers: ClinVar variation 822721 (VCV000822721.5), dbSNP rs1595107737, ClinGen allele CA480299568.